The following is an entry in ClinVar:

NM_000081.4(LYST):c.7787G>A (p.Arg2596Gln)

Gene: LYST (lysosomal trafficking regulator; minus strand). Cytogenetic location: 1q42.3.
Variant type: single nucleotide variant.
Coding change: c.7787G>A on transcript NM_000081.4 (MANE Select); coding-DNA position 7787, G replaced by A.
Protein change: p.Arg2596Gln; replaces arginine 2596 with glutamine.
Molecular consequence: missense variant.
Genome position (GRCh38, 1-based): chr1:235,746,521, C>T on the plus strand (G>A on the coding strand, the complement: LYST is on the minus strand). VCF-style: chr1-235746521-C-T. GRCh37 (hg19) VCF-style: chr1-235909821-C-T.
Other names: c.7787G>A, p.Arg2596Gln (NM_001301365.1); short protein forms R2596Q.
Identifiers: ClinVar variation 1356283 (VCV001356283.6), dbSNP rs771876940, ClinGen allele CA1466023.

ClinVar aggregate classification (germline): Uncertain significance (1 of 4 stars; one submission).

Conditions:
Chédiak-Higashi syndrome (CHS). Also called: Chediak-Higashi Syndrome. Identifiers: Orphanet 167, MedGen C0007965, MONDO:0008963, OMIM 214500.

Allele frequency attached by ClinVar (database versions not stated): TOPMed below 0.00001; gnomAD 0.00001; ExAC 0.00002; gnomAD exomes 0.00002.
gnomAD v4.1: 27 of 1,611,562 alleles (0.0017%); highest among the groups gnomAD compares: South Asian, 0.0022%; no homozygotes.

Submission:

Labcorp Genetics (formerly Invitae), Labcorp
Classification: Uncertain significance for Chédiak-Higashi syndrome. Last evaluated: 2024-10-24. Review status: criteria provided, single submitter. Criteria: Invitae Variant Classification Sherloc (09022015). Collection method: clinical testing. Allele origin: germline.
Comment: This sequence change replaces arginine, which is basic and polar, with glutamine, which is neutral and polar, at codon 2596 of the LYST protein (p.Arg2596Gln). This variant is present in population databases (rs771876940, gnomAD 0.007%). This variant has not been reported in the literature in individuals affected with LYST-related conditions. ClinVar contains an entry for this variant (Variation ID: 1356283). Invitae Evidence Modeling of protein sequence and biophysical properties (such as structural, functional, and spatial information, amino acid conservation, physicochemical variation, residue mobility, and thermodynamic stability) indicates that this missense variant is not expected to disrupt LYST protein function with a negative predictive value of 80%. In summary, the available evidence is currently insufficient to determine the role of this variant in disease. Therefore, it has been classified as a Variant of Uncertain Significance.